The following is an entry in ClinVar:

NM_019066.5(MAGEL2):c.3748T>A (p.Ter1250Lys)

Gene: MAGEL2 (MAGE family member L2; minus strand). Cytogenetic location: 15q11.2.
Variant type: single nucleotide variant.
Coding change: c.3748T>A on transcript NM_019066.5 (MANE Select); coding-DNA position 3748, T replaced by A.
Protein change: p.Ter1250Lys.
Molecular consequence: stop lost.
Genome position (GRCh38, 1-based): chr15:23,643,995, A>T on the plus strand (T>A on the coding strand, the complement: MAGEL2 is on the minus strand). VCF-style: chr15-23643995-A-T. GRCh37 (hg19) VCF-style: chr15-23889142-A-T.
Identifiers: ClinVar variation 2805099 (VCV002805099.3), dbSNP rs2503973174, ClinGen allele CA391320563.

ClinVar aggregate classification (germline): Uncertain significance (1 of 4 stars; one submission).

Submission:

Labcorp Genetics (formerly Invitae), Labcorp
Classification: Uncertain significance. Last evaluated: 2023-04-01. Review status: criteria provided, single submitter. Criteria: Invitae Variant Classification Sherloc (09022015). Collection method: clinical testing. Allele origin: germline.
Comment: This sequence change disrupts the translational stop signal of the MAGEL2 mRNA. It is expected to extend the length of the MAGEL2 protein by 1 additional amino acid residues. This variant is not present in population databases (gnomAD no frequency). This variant has not been reported in the literature in individuals affected with MAGEL2-related conditions. In summary, the available evidence is currently insufficient to determine the role of this variant in disease. Therefore, it has been classified as a Variant of Uncertain Significance.